The following is an entry in ClinVar:

NM_001276270.2(MBD4):c.139G>A (p.Gly47Arg)

Gene: MBD4 (methyl-CpG binding domain 4, DNA glycosylase; minus strand). Cytogenetic location: 3q21.3.
Variant type: single nucleotide variant.
Coding change: c.139G>A on transcript NM_001276270.2 (MANE Select); coding-DNA position 139, G replaced by A.
Protein change: p.Gly47Arg; replaces glycine 47 with arginine.
Molecular consequence: missense variant.
Genome position (GRCh38, 1-based): chr3:129,437,916, C>T on the plus strand (G>A on the coding strand, the complement: MBD4 is on the minus strand). VCF-style: chr3-129437916-C-T. GRCh37 (hg19) VCF-style: chr3-129156759-C-T.
Other names: c.139G>A, p.Gly47Arg (NM_001276271.2, NM_001276272.2, NM_001276273.2 and 1 more transcripts); c.139G>A (NM_003925.2); short protein forms G47R.
Identifiers: ClinVar variation 2871662 (VCV002871662.5), dbSNP rs755035506, ClinGen allele CA2605596.

ClinVar aggregate classification (germline): Conflicting classifications of pathogenicity. Review status: criteria provided, conflicting classifications (1 of 4 stars). 3 submissions from 3 submitters: Uncertain significance (2); Likely benign (1). Last evaluated 2026-04-01.

Conditions:
Inborn genetic diseases. Identifiers: MedGen C0950123, MeSH D030342.
MBD4-related disorder. Also called: MBD4-related condition.

Allele frequency attached by ClinVar (database versions not stated): ExAC 0.00002; gnomAD 0.00002; TOPMed 0.00002; gnomAD exomes 0.00004.
gnomAD v4.1: 57 of 1,613,034 alleles (0.0035%); highest among the groups gnomAD compares: Admixed American, 0.0067%; no homozygotes.

Submissions (3):

PreventionGenetics, part of Exact Sciences
Classification: Uncertain significance for MBD4-related condition. Last evaluated: 2026-04-01. Review status: criteria provided, single submitter. Criteria: ACMG Guidelines, 2015. Collection method: clinical testing. Allele origin: germline.
Comment: The MBD4 c.139G>A variant is predicted to result in the amino acid substitution p.Gly47Arg. This variant has been reported in the literature in an individual with uveal melanoma (Derrien et al. 2021. PubMed ID: 32239153). This variant is reported in 0.0054% of alleles in individuals of European (Non-Finnish) descent in gnomAD. This variant has conflicting interpretations in ClinVar ranging from uncertain to likely benign (Variation ID: 2871662). At this time, the clinical significance of this variant is uncertain due to the absence of conclusive functional and genetic evidence.

Labcorp Genetics (formerly Invitae), Labcorp
Classification: Uncertain significance. Last evaluated: 2026-01-26. Review status: criteria provided, single submitter. Criteria: Invitae Variant Classification Sherloc (09022015). Collection method: clinical testing. Allele origin: germline.
Comment: This sequence change replaces glycine, which is neutral and non-polar, with arginine, which is basic and polar, at codon 47 of the MBD4 protein (p.Gly47Arg). This variant is present in population databases (rs755035506, gnomAD 0.006%). This missense change has been observed in individual(s) with uveal melanoma (PMID: 32239153). ClinVar contains an entry for this variant (Variation ID: 2871662). An algorithm developed to predict the effect of missense changes on protein structure and function outputs the following: PolyPhen-2: "Benign". The arginine amino acid residue is found in multiple mammalian species, which suggests that this missense change does not adversely affect protein function. In summary, the available evidence is currently insufficient to determine the role of this variant in disease. Therefore, it has been classified as a Variant of Uncertain Significance.

Ambry Genetics
Classification: Likely benign for Inborn genetic diseases. Last evaluated: 2024-12-12. Review status: criteria provided, single submitter. Criteria: Ambry Variant Classification Scheme 2023. Collection method: clinical testing. Allele origin: germline.

Literature cited by the submitters: PubMed 32239153 (cited by Labcorp Genetics (formerly Invitae), Labcorp).